The following is an entry in ClinVar:

ClinVar aggregate classification (germline): Uncertain significance. Review status: criteria provided, multiple submitters, no conflicts (2 of 4 stars). 2 submissions from 2 submitters: Uncertain significance (2). Last evaluated 2025-11-22.

Conditions:
Brugada syndrome. Also called: Sudden unexpected nocturnal death syndrome; Sudden unexplained nocturnal death syndrome; Sudden Unexplained Death Syndrome; Sudden Unexplained Nocturnal Death Syndrome (SUNDS). Identifiers: Orphanet 130, MedGen C1142166, MONDO:0015263.
Cardiovascular phenotype. Identifiers: MedGen CN230736.

Allele frequency attached by ClinVar (database versions not stated): TOPMed below 0.00001.
gnomAD v4.1: 19 of 1,613,926 alleles (0.0012%); highest among the groups gnomAD compares: Non-Finnish European, 0.0016%; no homozygotes.

Submissions (2):

Ambry Genetics
Classification: Uncertain significance for Cardiovascular phenotype. Last evaluated: 2025-11-22. Review status: criteria provided, single submitter. Criteria: Ambry Variant Classification Scheme 2023. Collection method: clinical testing. Allele origin: germline.
Comment: The p.P952L variant (also known as c.2855C>T), located in coding exon 16 of the SCN10A gene, results from a C to T substitution at nucleotide position 2855. The proline at codon 952 is replaced by leucine, an amino acid with similar properties. This amino acid position is conserved. In addition, the in silico prediction for this alteration is inconclusive. Based on the available evidence, the clinical significance of this variant remains unclear.

Labcorp Genetics (formerly Invitae), Labcorp
Classification: Uncertain significance for Brugada syndrome. Last evaluated: 2021-12-24. Review status: criteria provided, single submitter. Criteria: Invitae Variant Classification Sherloc (09022015). Collection method: clinical testing. Allele origin: germline.
Comment: This sequence change replaces proline, which is neutral and non-polar, with leucine, which is neutral and non-polar, at codon 952 of the SCN10A protein (p.Pro952Leu). This variant is present in population databases (no rsID available, gnomAD 0.0009%). This variant has not been reported in the literature in individuals affected with SCN10A-related conditions. Advanced modeling of protein sequence and biophysical properties (such as structural, functional, and spatial information, amino acid conservation, physicochemical variation, residue mobility, and thermodynamic stability) performed at Invitae indicates that this missense variant is not expected to disrupt SCN10A protein function. In summary, the available evidence is currently insufficient to determine the role of this variant in disease. Therefore, it has been classified as a Variant of Uncertain Significance.

NM_006514.4(SCN10A):c.2855C>T (p.Pro952Leu)

Genes: SCN10A (sodium voltage-gated channel alpha subunit 10; minus strand), LOC110121288 (VISTA enhancer hs2268; plus strand). Cytogenetic location: 3p22.2.
Variant type: single nucleotide variant.
Coding change: c.2855C>T on transcript NM_006514.4 (MANE Select); coding-DNA position 2855, C replaced by T.
Protein change: p.Pro952Leu; replaces proline 952 with leucine.
Molecular consequence: missense variant.
Genome position (GRCh38, 1-based): chr3:38,726,838, G>A on the plus strand (C>T on the coding strand, the complement: SCN10A is on the minus strand). VCF-style: chr3-38726838-G-A. GRCh37 (hg19) VCF-style: chr3-38768329-G-A.
Other names: c.2855C>T (NM_006514.2); c.2855C>T, p.Pro952Leu (NM_001293306.2); c.2561C>T, p.Pro854Leu (NM_001293307.2); short protein forms P854L, P952L.
Identifiers: ClinVar variation 1402642 (VCV001402642.5), dbSNP rs774315933, ClinGen allele CA352158105.
Genomic context (GRCh38, chr3:38,726,838, plus strand): 5'-CCAGAGCTCCCCCTGGCAGTGTTGGCAGCAATGTGGTTCTCAGCCTTGGAGCTGGAGAGT[G>A]GGAGTTTCACCACCAGCTCAGGCTCTGCCTTGGGCTGGGGGAATGGGCAGGACCTGCTGA-3'
Protein context (NP_006505.4, residues 942-962): KAEPELVVKL[Pro952Leu]LSSSKAENHI